The following is an entry in ClinVar:

ClinVar aggregate classification (germline): Uncertain significance (1 of 4 stars; one submission).

Allele frequency attached by ClinVar (database versions not stated): gnomAD 0.00001.
gnomAD v4.1: 1 of 1,613,664 alleles (0.000062%); highest among the groups gnomAD compares: Admixed American, 0.0017%; no homozygotes.

Submission:

Labcorp Genetics (formerly Invitae), Labcorp
Classification: Uncertain significance. Last evaluated: 2023-05-01. Review status: criteria provided, single submitter. Criteria: Invitae Variant Classification Sherloc (09022015). Collection method: clinical testing. Allele origin: germline.
Comment: Advanced modeling of protein sequence and biophysical properties (such as structural, functional, and spatial information, amino acid conservation, physicochemical variation, residue mobility, and thermodynamic stability) performed at Invitae indicates that this missense variant is not expected to disrupt USH2A protein function. In summary, the available evidence is currently insufficient to determine the role of this variant in disease. Therefore, it has been classified as a Variant of Uncertain Significance. This variant has not been reported in the literature in individuals affected with USH2A-related conditions. This variant is not present in population databases (gnomAD no frequency). This sequence change replaces tyrosine, which is neutral and polar, with histidine, which is basic and polar, at codon 2887 of the USH2A protein (p.Tyr2887His).

NM_206933.4(USH2A):c.8659T>C (p.Tyr2887His)

Gene: USH2A (usherin; minus strand). Cytogenetic location: 1q41.
Variant type: single nucleotide variant.
Coding change: c.8659T>C on transcript NM_206933.4 (MANE Select); coding-DNA position 8659, T replaced by C.
Protein change: p.Tyr2887His; replaces tyrosine 2887 with histidine.
Molecular consequence: missense variant.
Genome position (GRCh38, 1-based): chr1:215,877,780, A>G on the plus strand (T>C on the coding strand, the complement: USH2A is on the minus strand). VCF-style: chr1-215877780-A-G. GRCh37 (hg19) VCF-style: chr1-216051122-A-G.
Other names: short protein forms Y2887H.
Identifiers: ClinVar variation 2801589 (VCV002801589.1), dbSNP rs1664810790, ClinGen allele CA344829005.
Genomic context (GRCh38, chr1:215,877,780, plus strand): 5'-AATGCCAGCATTTGTTTTTATAGTTTTTGTAATCTCACCTGCTAAGACCCTTATCTTCAT[A>G]AAGCCACTGAGTTCCTGAATAAATATTGTGCCACCGATTTAAATCTTCTGGGGGATTTGA-3'
Protein context (NP_996816.3, residues 2877-2897): HNIYSGTQWL[Tyr2887His]EDKGLSRFTT